The following is an entry in ClinVar:

NM_017837.4(PIGV):c.1366G>A (p.Gly456Arg)

Gene: PIGV (phosphatidylinositol glycan anchor biosynthesis class V; plus strand). Cytogenetic location: 1p36.11.
Variant type: single nucleotide variant.
Coding change: c.1366G>A on transcript NM_017837.4 (MANE Select); coding-DNA position 1366, G replaced by A.
Protein change: p.Gly456Arg; replaces glycine 456 with arginine.
Molecular consequence: missense variant. On other transcripts: non-coding transcript variant (2).
Genome position (GRCh38, 1-based): chr1:26,797,728, G>A. VCF-style: chr1-26797728-G-A. GRCh37 (hg19) VCF-style: chr1-27124219-G-A.
Other names: c.1366G>A, p.Gly456Arg (NM_001202554.2, NM_001374478.1, NM_001374480.1 and 2 more transcripts); c.985G>A, p.Gly329Arg (NM_001374483.1); c.739G>A, p.Gly247Arg (NM_001374484.1, NM_001374485.1); c.244G>A, p.Gly82Arg (NM_001374486.1); short protein forms G456R, G82R, G247R, G329R.
Identifiers: ClinVar variation 1927740 (VCV001927740.5), dbSNP rs957961816, ClinGen allele CA19836974.
Genomic context (GRCh38, chr1:26,797,728, plus strand): 5'-TGGAAGCCTCTTGCAGAGGACTCCCCACCAGGACAAAAGGTCCCCAGAAATCCTATCATG[G>A]GACTTTTGTATCACTGGAAAACCTGTTCTCCAGTCACACGATACATTCTAGGCTACTTCC-3'
Protein context (NP_060307.2, residues 446-466): GQKVPRNPIM[Gly456Arg]LLYHWKTCSP

ClinVar aggregate classification (germline): Uncertain significance (1 of 4 stars; one submission).

Allele frequency attached by ClinVar (database versions not stated): gnomAD 0.00001; TOPMed 0.00002.

Submission:

Labcorp Genetics (formerly Invitae), Labcorp
Classification: Uncertain significance. Last evaluated: 2022-05-23. Review status: criteria provided, single submitter. Criteria: Invitae Variant Classification Sherloc (09022015). Collection method: clinical testing. Allele origin: germline.
Comment: This variant has not been reported in the literature in individuals affected with PIGV-related conditions. This variant is not present in population databases (gnomAD no frequency). This sequence change replaces glycine, which is neutral and non-polar, with arginine, which is basic and polar, at codon 456 of the PIGV protein (p.Gly456Arg). Algorithms developed to predict the effect of missense changes on protein structure and function output the following: SIFT: "Tolerated"; PolyPhen-2: "Benign"; Align-GVGD: "Class C0". The arginine amino acid residue is found in multiple mammalian species, which suggests that this missense change does not adversely affect protein function. In summary, the available evidence is currently insufficient to determine the role of this variant in disease. Therefore, it has been classified as a Variant of Uncertain Significance.